The following is an entry in ClinVar:

ClinVar aggregate classification (germline): Uncertain significance (1 of 4 stars; one submission).

Submission:

Labcorp Genetics (formerly Invitae), Labcorp
Classification: Uncertain significance. Last evaluated: 2023-05-20. Review status: criteria provided, single submitter. Criteria: Invitae Variant Classification Sherloc (09022015). Collection method: clinical testing. Allele origin: germline.
Comment: Advanced modeling of protein sequence and biophysical properties (such as structural, functional, and spatial information, amino acid conservation, physicochemical variation, residue mobility, and thermodynamic stability) performed at Invitae indicates that this missense variant is not expected to disrupt MTOR protein function. This variant has not been reported in the literature in individuals affected with MTOR-related conditions. In summary, the available evidence is currently insufficient to determine the role of this variant in disease. Therefore, it has been classified as a Variant of Uncertain Significance. This sequence change replaces alanine, which is neutral and non-polar, with serine, which is neutral and polar, at codon 1447 of the MTOR protein (p.Ala1447Ser). This variant is not present in population databases (gnomAD no frequency).

NM_004958.4(MTOR):c.4339G>T (p.Ala1447Ser)

Gene: MTOR (mechanistic target of rapamycin kinase; minus strand). Cytogenetic location: 1p36.22.
Variant type: single nucleotide variant.
Coding change: c.4339G>T on transcript NM_004958.4 (MANE Select); coding-DNA position 4339, G replaced by T.
Protein change: p.Ala1447Ser; replaces alanine 1447 with serine.
Molecular consequence: missense variant.
Genome position (GRCh38, 1-based): chr1:11,157,282, C>A on the plus strand (G>T on the coding strand, the complement: MTOR is on the minus strand). VCF-style: chr1-11157282-C-A. GRCh37 (hg19) VCF-style: chr1-11217339-C-A.
Other names: c.4339G>T, p.Ala1447Ser (NM_001386500.1); c.3091G>T, p.Ala1031Ser (NM_001386501.1); short protein forms A1447S, A1031S.
Identifiers: ClinVar variation 2866124 (VCV002866124.3), dbSNP rs2100568631, ClinGen allele CA338372223.